The following is an entry in ClinVar:

NM_000169.3(GLA):c.494A>G (p.Asp165Gly)

Genes: GLA (galactosidase alpha; minus strand), RPL36A-HNRNPH2 (RPL36A-HNRNPH2 readthrough; plus strand). Cytogenetic location: Xq22.1.
Variant type: single nucleotide variant.
Coding change: c.494A>G on transcript NM_000169.3 (MANE Select); coding-DNA position 494, A replaced by G.
Protein change: p.Asp165Gly; replaces aspartic acid 165 with glycine.
Molecular consequence: missense variant. On other transcripts: non-coding transcript variant (3), intron variant (2).
Genome position (GRCh38, 1-based): chrX:101,401,685, T>C on the plus strand (A>G on the coding strand, the complement: GLA is on the minus strand). VCF-style: chrX-101401685-T-C. GRCh37 (hg19) VCF-style: chrX-100656673-T-C.
Other names: NC_000023.10:g.100656673T>C; c.617A>G, p.Asp206Gly (NM_001406747.1, NM_001406749.1); c.494A>G, p.Asp165Gly (NM_001406748.1); c.300+6228T>C (NM_001199973.2); c.177+9863T>C (NM_001199974.2); short protein forms D165G, D206G.
Identifiers: ClinVar variation 4087390 (VCV004087390.3).

ClinVar aggregate classification (germline): Pathogenic (1 of 4 stars; one submission).

Conditions:
Fabry disease. Also called: ALPHA-GALACTOSIDASE A DEFICIENCY; ANDERSON-FABRY DISEASE; CERAMIDE TRIHEXOSIDASE DEFICIENCY; GLA DEFICIENCY; HEREDITARY DYSTOPIC LIPIDOSIS; Angiokeratoma corporis diffusum. Identifiers: Orphanet 324, MedGen C0002986, MONDO:0010526, OMIM 301500, HP:0001071. Disease mechanism: Fabry disease is due to inactivating mutations in the X-linked GLA gene resulting in deficiency of the enzyme Alpha Galactosidase-A., loss of function.

Submissions (2):

Genomenon, Inc
Classification: Pathogenic for Fabry disease. Last evaluated: 2026-09-08. Review status: criteria provided, single submitter. Criteria: Genomenon Sequence Variant Interpretation Standards - Updated. Collection method: curation. Allele origin: germline. Affected: yes.
Comment: GLA p.Asp165Gly (c.494A>G) is a missense variant that changes the amino acid at codon 165 from Aspartic acid to Glycine. This variant has been observed in at least one proband with clinical features consistent with Fabry disease (PMID:33204599). At least one functional study has demonstrated a substantial alteration in protein function relative to the wild-type (PMID:27657681). This variant is located in a mutational hotspot and/or important functional domain. It is absent or not present at a significant frequency in gnomAD. In silico models predict that this variant is possibly or probably damaging. In conclusion, we classify GLA p.Asp165Gly (c.494A>G) as a pathogenic variant.

Dr. Peter K. Rogan Lab, Western University
No classification provided (evidence only). Condition: Nonpapillary renal cell carcinoma. Review status: no classification provided. Collection method: in vitro. Allele origin: not applicable. Functional consequence: retained intron. Not counted in ClinVar's aggregate classification.

Literature cited by the submitters: PubMed 33204599 (cited by Genomenon, Inc); PubMed 27657681 (cited by Genomenon, Inc).